The following is an entry in ClinVar:

ClinVar aggregate classification (germline): Uncertain significance (1 of 4 stars; one submission).

Submission:

Labcorp Genetics (formerly Invitae), Labcorp
Classification: Uncertain significance. Last evaluated: 2023-12-19. Review status: criteria provided, single submitter. Criteria: Invitae Variant Classification Sherloc (09022015). Collection method: clinical testing. Allele origin: germline.
Comment: This sequence change replaces leucine, which is neutral and non-polar, with proline, which is neutral and non-polar, at codon 115 of the NYX protein (p.Leu115Pro). This variant is not present in population databases (gnomAD no frequency). This variant has not been reported in the literature in individuals affected with NYX-related conditions. Advanced modeling of protein sequence and biophysical properties (such as structural, functional, and spatial information, amino acid conservation, physicochemical variation, residue mobility, and thermodynamic stability) performed at Invitae indicates that this missense variant is expected to disrupt NYX protein function with a positive predictive value of 80%. In summary, the available evidence is currently insufficient to determine the role of this variant in disease. Therefore, it has been classified as a Variant of Uncertain Significance.

NM_001378477.3(NYX):c.329T>C (p.Leu110Pro)

Gene: NYX (nyctalopin; plus strand). Cytogenetic location: Xp11.4.
Variant type: single nucleotide variant.
Coding change: c.329T>C on transcript NM_001378477.3 (MANE Select); coding-DNA position 329, T replaced by C.
Protein change: p.Leu110Pro; replaces leucine 110 with proline.
Molecular consequence: missense variant.
Genome position (GRCh38, 1-based): chrX:41,473,797, T>C. VCF-style: chrX-41473797-T-C. GRCh37 (hg19) VCF-style: chrX-41333050-T-C.
Other names: c.329T>C, p.Leu110Pro (NM_022567.3); short protein forms L110P.
Identifiers: ClinVar variation 2704354 (VCV002704354.3), dbSNP rs2519607007, ClinGen allele CA412989861.